The following is an entry in ClinVar:

NM_003480.4(MFAP5):c.446G>T (p.Arg149Met)

Genes: MFAP5 (microfibril associated protein 5; minus strand), LOC126861443 (BRD4-independent group 4 enhancer GRCh37_chr12:8800473-8801672; plus strand). Cytogenetic location: 12p13.31.
Variant type: single nucleotide variant.
Coding change: c.446G>T on transcript NM_003480.4 (MANE Select); coding-DNA position 446, G replaced by T.
Protein change: p.Arg149Met; replaces arginine 149 with methionine.
Molecular consequence: missense variant. On other transcripts: non-coding transcript variant (2).
Genome position (GRCh38, 1-based): chr12:8,648,167, C>A on the plus strand (G>T on the coding strand, the complement: MFAP5 is on the minus strand). VCF-style: chr12-8648167-C-A. GRCh37 (hg19) VCF-style: chr12-8800763-C-A.
Other names: c.446G>T (NM_003480.2); c.416G>T, p.Arg139Met (NM_001297709.2); c.380G>T, p.Arg127Met (NM_001297710.2); c.371G>T, p.Arg124Met (NM_001297711.2); c.254G>T, p.Arg85Met (NM_001297712.2); short protein forms R124M, R127M, R149M, R139M, R85M.
Identifiers: ClinVar variation 2064845 (VCV002064845.7), dbSNP rs746621366, ClinGen allele CA232305694.

ClinVar aggregate classification (germline): Uncertain significance. Review status: criteria provided, multiple submitters, no conflicts (2 of 4 stars). 2 submissions from 2 submitters: Uncertain significance (2). Last evaluated 2025-06-10.

Conditions:
Cardiovascular phenotype. Identifiers: MedGen CN230736.

Allele frequency attached by ClinVar (database versions not stated): 1000 Genomes Project 30x 0.00016; 1000 Genomes Project 0.00020.
gnomAD v4.1: 1 of 1,613,748 alleles (0.000062%); highest among the groups gnomAD compares: African/African-American, 0.0013%; no homozygotes.

Submissions (2):

Ambry Genetics
Classification: Uncertain significance for Cardiovascular phenotype. Last evaluated: 2025-06-10. Review status: criteria provided, single submitter. Criteria: Ambry Variant Classification Scheme 2023. Collection method: clinical testing. Allele origin: germline.
Comment: The p.R149M variant (also known as c.446G>T), located in coding exon 9 of the MFAP5 gene, results from a G to T substitution at nucleotide position 446. The arginine at codon 149 is replaced by methionine, an amino acid with similar properties. This amino acid position is conserved. In addition, the in silico prediction for this alteration is inconclusive. Since supporting evidence is limited at this time, the clinical significance of this alteration remains unclear.

Labcorp Genetics (formerly Invitae), Labcorp
Classification: Uncertain significance. Last evaluated: 2025-04-11. Review status: criteria provided, single submitter. Criteria: Invitae Variant Classification Sherloc (09022015). Collection method: clinical testing. Allele origin: germline.
Comment: This sequence change replaces arginine, which is basic and polar, with methionine, which is neutral and non-polar, at codon 149 of the MFAP5 protein (p.Arg149Met). This variant is not present in population databases (gnomAD no frequency). This variant has not been reported in the literature in individuals affected with MFAP5-related conditions. ClinVar contains an entry for this variant (Variation ID: 2064845). An algorithm developed to predict the effect of missense changes on protein structure and function (PolyPhen-2) suggests that this variant is likely to be disruptive. In summary, the available evidence is currently insufficient to determine the role of this variant in disease. Therefore, it has been classified as a Variant of Uncertain Significance.